The following is an entry in ClinVar:

ClinVar aggregate classification (germline): Uncertain significance (1 of 4 stars; one submission).

gnomAD v4.1: 1 of 1,610,240 alleles (0.000062%); no homozygotes.

Submission:

Labcorp Genetics (formerly Invitae), Labcorp
Classification: Uncertain significance. Last evaluated: 2023-08-06. Review status: criteria provided, single submitter. Criteria: Invitae Variant Classification Sherloc (09022015). Collection method: clinical testing. Allele origin: germline.
Comment: In summary, the available evidence is currently insufficient to determine the role of this variant in disease. Therefore, it has been classified as a Variant of Uncertain Significance. An algorithm developed to predict the effect of missense changes on protein structure and function (PolyPhen-2) suggests that this variant is likely to be disruptive. This variant has not been reported in the literature in individuals affected with ERBB2-related conditions. This variant is not present in population databases (gnomAD no frequency). This sequence change replaces threonine, which is neutral and polar, with lysine, which is basic and polar, at codon 1242 of the ERBB2 protein (p.Thr1242Lys).

NM_004448.4(ERBB2):c.3725C>A (p.Thr1242Lys)

Gene: ERBB2 (erb-b2 receptor tyrosine kinase 2; plus strand). Cytogenetic location: 17q12.
Variant type: single nucleotide variant.
Coding change: c.3725C>A on transcript NM_004448.4 (MANE Select); coding-DNA position 3725, C replaced by A.
Protein change: p.Thr1242Lys; replaces threonine 1242 with lysine.
Molecular consequence: missense variant. On other transcripts: 3 prime UTR variant (2), non-coding transcript variant (1).
Genome position (GRCh38, 1-based): chr17:39,728,001, C>A. VCF-style: chr17-39728001-C-A. GRCh37 (hg19) VCF-style: chr17-37884254-C-A.
Other names: c.3842C>A, p.Thr1281Lys (NM_001382784.1); c.3827C>A, p.Thr1276Lys (NM_001382785.1); c.3635C>A, p.Thr1212Lys (NM_001005862.3, NM_001382782.1, NM_001382783.1); c.3680C>A, p.Thr1227Lys (NM_001289936.2); c.*304C>A (NM_001289937.2, NM_001382803.1); c.3806C>A, p.Thr1269Lys (NM_001382786.1); c.3800C>A, p.Thr1267Lys (NM_001382787.1); c.3755C>A, p.Thr1252Lys (NM_001382788.1); and 16 more; short protein forms T1182K, T1239K, T1242K, T1269K, T925K, T1156K, T1174K, T1226K.
Identifiers: ClinVar variation 3009101 (VCV003009101.3), dbSNP rs778352367, ClinGen allele CA399314805.